The following is an entry in ClinVar:

NM_212482.4(FN1):c.54G>C (p.Gly18=)

Genes: FN1 (fibronectin 1; minus strand), FN1-DT (FN1 divergent transcript; plus strand). Cytogenetic location: 2q35.
Variant type: single nucleotide variant.
Coding change: c.54G>C on transcript NM_212482.4 (MANE Select); coding-DNA position 54, G replaced by C.
Protein change: p.Gly18=; no amino-acid change (glycine 18 retained).
Molecular consequence: synonymous variant.
Genome position (GRCh38, 1-based): chr2:215,435,749, C>G on the plus strand (G>C on the coding strand, the complement: FN1 is on the minus strand). VCF-style: chr2-215435749-C-G. GRCh37 (hg19) VCF-style: chr2-216300472-C-G.
Other names: c.54G>C, p.Gly18= (NM_001306129.2, NM_001306130.2, NM_001306131.2 and 14 more transcripts).
Identifiers: ClinVar variation 718272 (VCV000718272.32), dbSNP rs149268490, ClinGen allele CA2095693.

ClinVar aggregate classification (germline): Benign/Likely benign. Review status: criteria provided, multiple submitters, no conflicts (2 of 4 stars). 4 submissions from 4 submitters: Benign (2); Likely benign (2). Last evaluated 2025-12-31.

Allele frequency attached by ClinVar (database versions not stated): 1000 Genomes Project 30x 0.00031; 1000 Genomes Project 0.00040; ESP Exome Variant Server 0.00069; TOPMed 0.00069; gnomAD 0.00091 and 0.00096; gnomAD exomes 0.00139; ExAC 0.00166.
gnomAD v4.1: 1,931 of 1,602,748 alleles (0.12%); highest among the groups gnomAD compares: Non-Finnish European, 0.13%; 7 homozygotes.

Submissions (4):

Labcorp Genetics (formerly Invitae), Labcorp
Classification: Benign. Last evaluated: 2025-12-31. Review status: criteria provided, single submitter. Criteria: Invitae Variant Classification Sherloc (09022015). Collection method: clinical testing. Allele origin: germline.

Blueprint Genetics
Classification: Likely benign. Last evaluated: 2024-11-08. Review status: criteria provided, single submitter. Criteria: ACMG Guidelines, 2015. Collection method: clinical testing. Allele origin: germline.

CeGaT Center for Human Genetics Tuebingen
Classification: Likely benign. Last evaluated: 2024-04-01. Review status: criteria provided, single submitter. Criteria: CeGaT Center For Human Genetics Tuebingen Variant Classification Criteria Version 2. Collection method: clinical testing. Allele origin: germline. Affected: yes. Observed: 1 variant allele.
Comment: FN1: BP4, BP7, BS1

Breakthrough Genomics
Classification: Benign. Review status: criteria provided, single submitter. Criteria: ACMG Guidelines, 2015. Collection method: not provided. Allele origin: germline. Inheritance: Autosomal dominant inheritance. Affected: yes.